The following is an entry in ClinVar:

NM_001178015.2(SLC4A10):c.179A>C (p.Lys60Thr)

Gene: SLC4A10 (solute carrier family 4 member 10; plus strand). Cytogenetic location: 2q24.2.
Variant type: single nucleotide variant.
Coding change: c.179A>C on transcript NM_001178015.2 (MANE Select); coding-DNA position 179, A replaced by C.
Protein change: p.Lys60Thr; replaces lysine 60 with threonine.
Molecular consequence: missense variant. On other transcripts: 5 prime UTR variant (1), intron variant (1).
Genome position (GRCh38, 1-based): chr2:161,804,497, A>C. VCF-style: chr2-161804497-A-C. GRCh37 (hg19) VCF-style: chr2-162661007-A-C.
Other names: c.212A>C, p.Lys71Thr (NM_001178016.2, NM_001354441.2, NM_001354442.2 and 2 more transcripts); c.179A>C, p.Lys60Thr (NM_001354440.2, NM_001354444.2, NM_001354446.2 and 4 more transcripts); c.215A>C, p.Lys72Thr (NM_001354443.2, NM_001354447.2, NM_001354460.2 and 1 more transcripts); c.-507A>C (NM_001354455.2); c.130+33443A>C (NM_001354453.2); short protein forms K60T, K71T, K72T.
Identifiers: ClinVar variation 3360618 (VCV003360618.1).

ClinVar aggregate classification (germline): Uncertain significance (1 of 4 stars; one submission).

Submission:

GeneDx
Classification: Uncertain significance. Last evaluated: 2023-07-10. Review status: criteria provided, single submitter. Criteria: GeneDx Variant Classification Process June 2021. Collection method: clinical testing. Allele origin: germline. Affected: yes.
Comment: Not observed at significant frequency in large population cohorts (gnomAD); In silico analysis supports that this missense variant does not alter protein structure/function; Has not been previously published as pathogenic or benign to our knowledge; Variants in candidate genes are classified as variants of uncertain significance in accordance with ACMG guidelines (Richards et al., 2015)